The following is an entry in ClinVar:

NM_015272.5(RPGRIP1L):c.1297G>A (p.Glu433Lys)

Gene: RPGRIP1L (RPGRIP1 like; minus strand). Cytogenetic location: 16q12.2.
Variant type: single nucleotide variant.
Coding change: c.1297G>A on transcript NM_015272.5 (MANE Select); coding-DNA position 1297, G replaced by A.
Protein change: p.Glu433Lys; replaces glutamic acid 433 with lysine.
Molecular consequence: missense variant.
Genome position (GRCh38, 1-based): chr16:53,658,825, C>T on the plus strand (G>A on the coding strand, the complement: RPGRIP1L is on the minus strand). VCF-style: chr16-53658825-C-T. GRCh37 (hg19) VCF-style: chr16-53692737-C-T.
Other names: c.1297G>A, p.Glu433Lys (NM_001127897.4, NM_001308334.3, NM_001330538.2); short protein forms E433K.
Identifiers: ClinVar variation 4990596 (VCV004990596.1).

ClinVar aggregate classification (germline): Uncertain significance (1 of 4 stars; one submission).

Conditions:
RPGRIP1L-related disorder. Also called: RPGRIP1L-related condition; RPGRIP1L-related disorders. Identifiers: MedGen CN239416.

Submission:

PreventionGenetics, part of Exact Sciences
Classification: Uncertain significance for RPGRIP1L-related condition. Last evaluated: 2024-10-21. Review status: criteria provided, single submitter. Criteria: ACMG Guidelines, 2015. Collection method: clinical testing. Allele origin: germline.
Comment: The RPGRIP1L c.1297G>A variant is predicted to result in the amino acid substitution p.Glu433Lys. To our knowledge, this variant has not been reported in the literature. This variant is reported in 0.0063% of alleles in individuals of African descent in gnomAD. At this time, the clinical significance of this variant is uncertain due to the absence of conclusive functional and genetic evidence.